The following is an entry in ClinVar:

ClinVar aggregate classification (germline): Uncertain significance (1 of 4 stars; one submission).

Conditions:
Perrault syndrome. Also called: Gonadal dysgenesis with auditory dysfunction, autosomal recessive inheritance. Identifiers: Orphanet 2855, MedGen C0685838, MONDO:0017312.
Bifunctional peroxisomal enzyme deficiency (DBIF). Also called: D-bifunctional protein deficiency; PBFE DEFICIENCY; DBP DEFICIENCY. Identifiers: Orphanet 300, MedGen C0342870, MONDO:0009855, OMIM 261515. Disease mechanism: loss of function.

Submission:

Labcorp Genetics (formerly Invitae), Labcorp
Classification: Uncertain significance for Perrault syndrome; Bifunctional peroxisomal enzyme deficiency. Last evaluated: 2024-10-15. Review status: criteria provided, single submitter. Criteria: Invitae Variant Classification Sherloc (09022015). Collection method: clinical testing. Allele origin: germline.
Comment: This sequence change replaces proline, which is neutral and non-polar, with leucine, which is neutral and non-polar, at codon 285 of the HSD17B4 protein (p.Pro285Leu). This variant is not present in population databases (gnomAD no frequency). This variant has not been reported in the literature in individuals affected with HSD17B4-related conditions. ClinVar contains an entry for this variant (Variation ID: 2057333). Invitae Evidence Modeling of protein sequence and biophysical properties (such as structural, functional, and spatial information, amino acid conservation, physicochemical variation, residue mobility, and thermodynamic stability) has been performed for this missense variant. However, the output from this modeling did not meet the statistical confidence thresholds required to predict the impact of this variant on HSD17B4 protein function. In summary, the available evidence is currently insufficient to determine the role of this variant in disease. Therefore, it has been classified as a Variant of Uncertain Significance.

NM_000414.4(HSD17B4):c.854C>T (p.Pro285Leu)

Gene: HSD17B4 (hydroxysteroid 17-beta dehydrogenase 4; plus strand). Cytogenetic location: 5q23.1.
Variant type: single nucleotide variant.
Coding change: c.854C>T on transcript NM_000414.4 (MANE Select); coding-DNA position 854, C replaced by T.
Protein change: p.Pro285Leu; replaces proline 285 with leucine.
Molecular consequence: missense variant. On other transcripts: non-coding transcript variant (2).
Genome position (GRCh38, 1-based): chr5:119,493,932, C>T. VCF-style: chr5-119493932-C-T. GRCh37 (hg19) VCF-style: chr5-118829627-C-T.
Other names: c.929C>T, p.Pro310Leu (NM_001199291.3); c.800C>T, p.Pro267Leu (NM_001199292.2); c.782C>T, p.Pro261Leu (NM_001292027.2); c.434C>T, p.Pro145Leu (NM_001292028.2); c.845C>T, p.Pro282Leu (NM_001374497.1); c.854C>T, p.Pro285Leu (NM_001374498.1); c.527C>T, p.Pro176Leu (NM_001374499.1); c.413C>T, p.Pro138Leu (NM_001374500.1); and 1 more; short protein forms P176L, P310L, P261L, P267L, P138L, P145L, P148L, P282L.
Identifiers: ClinVar variation 2057333 (VCV002057333.4), dbSNP rs2531704895, ClinGen allele CA360867399.